The following is an entry in ClinVar:

ClinVar aggregate classification (germline): Uncertain significance (1 of 4 stars; one submission).

Submission:

Medical Genetic Center, Changzhi Maternal and Child Health Care Hospital
Classification: Uncertain significance. Last evaluated: 2025-12-10. Review status: criteria provided, single submitter. Criteria: ACMG/ClinGen CNV Guidelines, 2019. Collection method: clinical testing. Allele origin: unknown.

GRCh38/hg38 2q13(chr2:110119198-110225840)x1

Genes: MTLN (mitoregulin; minus strand), NPHP1 (nephrocystin 1; minus strand), LOC126806306 (P300/CBP strongly-dependent group 1 enhancer GRCh37_chr2:110906815-110908014; plus strand), LOC129934555 (ATAC-STARR-seq lymphoblastoid active region 16369; plus strand), LOC129934556 (ATAC-STARR-seq lymphoblastoid active region 16370; plus strand). Cytogenetic location: 2q13.
Variant type: copy number loss.
Change: copy number 1 (one copy instead of two) of chr2:110,119,198-110,225,840 (106.6 kb, GRCh38 coordinates, 1-based), cytogenetic band 2q13.
Identifiers: ClinVar variation 4796175 (VCV004796175.1).